The following is an entry in ClinVar:

NM_032856.5(WDR73):c.872T>C (p.Leu291Ser)

Gene: WDR73 (WD repeat domain 73; minus strand). Cytogenetic location: 15q25.2.
Variant type: single nucleotide variant.
Coding change: c.872T>C on transcript NM_032856.5 (MANE Select); coding-DNA position 872, T replaced by C.
Protein change: p.Leu291Ser; replaces leucine 291 with serine.
Molecular consequence: missense variant. On other transcripts: non-coding transcript variant (4).
Genome position (GRCh38, 1-based): chr15:84,645,482, A>G on the plus strand (T>C on the coding strand, the complement: WDR73 is on the minus strand). VCF-style: chr15-84645482-A-G. GRCh37 (hg19) VCF-style: chr15-85188713-A-G.
Other names: short protein forms L291S.
Identifiers: ClinVar variation 1305612 (VCV001305612.2), dbSNP rs1567021756, ClinGen allele CA393352792.

ClinVar aggregate classification (germline): Uncertain significance (1 of 4 stars; one submission).

Submission:

GeneDx
Classification: Uncertain significance. Last evaluated: 2019-05-13. Review status: criteria provided, single submitter. Criteria: GeneDx Variant Classification Process June 2021. Collection method: clinical testing. Allele origin: germline. Affected: yes.
Comment: Not observed in large population cohorts (Lek et al., 2016); In silico analysis, which includes protein predictors and evolutionary conservation, supports a deleterious effect; Has not been previously published as pathogenic or benign to our knowledge